The following is an entry in ClinVar:

NM_177438.3(DICER1):c.2516C>G (p.Ser839Cys)

Gene: DICER1 (dicer 1, ribonuclease III; minus strand). Cytogenetic location: 14q32.13.
Variant type: single nucleotide variant.
Coding change: c.2516C>G on transcript NM_177438.3 (MANE Select); coding-DNA position 2516, C replaced by G.
Protein change: p.Ser839Cys; replaces serine 839 with cysteine.
Molecular consequence: missense variant.
Genome position (GRCh38, 1-based): chr14:95,108,014, G>C on the plus strand (C>G on the coding strand, the complement: DICER1 is on the minus strand). VCF-style: chr14-95108014-G-C. GRCh37 (hg19) VCF-style: chr14-95574351-G-C.
Other names: c.2516C>G, p.Ser839Cys (NM_001195573.1, NM_001271282.3, NM_001291628.2 and 1 more transcripts); short protein forms S839C.
Identifiers: ClinVar variation 935119 (VCV000935119.14), dbSNP rs387906934, ClinGen allele CA390881858.

ClinVar aggregate classification (germline): Uncertain significance. Review status: criteria provided, multiple submitters, no conflicts (2 of 4 stars). 3 submissions from 3 submitters: Uncertain significance (3). Last evaluated 2023-07-28.

Conditions:
Hereditary cancer-predisposing syndrome. Also called: Tumor predisposition; Hereditary neoplastic syndrome; Neoplastic Syndromes, Hereditary; Hereditary Cancer Syndrome. Identifiers: Orphanet 140162, MedGen C0027672, MeSH D009386, MONDO:0015356.
Global developmental delay - lung cysts - overgrowth - Wilms tumor syndrome. Also called: GLOBAL DEVELOPMENTAL DELAY, LUNG CYSTS, OVERGROWTH, AND WILMS TUMOR; GLOW Syndrome. Identifiers: Orphanet 404476, MedGen C4748924, MONDO:0018445, OMIM 618272.
DICER1-related tumor predisposition. Also called: DICER1 syndrome; DICER1-related pleuropulmonary blastoma cancer predisposition syndrome. Identifiers: Orphanet 284343, MedGen C3839822, MONDO:0100216.

Submissions (3):

Baylor Genetics
Classification: Uncertain significance for Global developmental delay - lung cysts - overgrowth - Wilms tumor syndrome. Last evaluated: 2023-07-28. Review status: criteria provided, single submitter. Criteria: ACMG Guidelines, 2015. Collection method: clinical testing. Allele origin: unknown.

Labcorp Genetics (formerly Invitae), Labcorp
Classification: Uncertain significance for DICER1-related tumor predisposition. Last evaluated: 2023-05-08. Review status: criteria provided, single submitter. Criteria: Invitae Variant Classification Sherloc (09022015). Collection method: clinical testing. Allele origin: germline.
Comment: In summary, the available evidence is currently insufficient to determine the role of this variant in disease. Therefore, it has been classified as a Variant of Uncertain Significance. This variant disrupts the p.Ser839 amino acid residue in DICER1. Other variant(s) that disrupt this residue have been determined to be pathogenic (PMID: 21205968). This suggests that this residue is clinically significant, and that variants that disrupt this residue are likely to be disease-causing. Advanced modeling of protein sequence and biophysical properties (such as structural, functional, and spatial information, amino acid conservation, physicochemical variation, residue mobility, and thermodynamic stability) performed at Invitae indicates that this missense variant is expected to disrupt DICER1 protein function. ClinVar contains an entry for this variant (Variation ID: 935119). This variant has not been reported in the literature in individuals affected with DICER1-related conditions. This variant is not present in population databases (gnomAD no frequency). This sequence change replaces serine, which is neutral and polar, with cysteine, which is neutral and slightly polar, at codon 839 of the DICER1 protein (p.Ser839Cys).

Ambry Genetics
Classification: Uncertain significance for Hereditary cancer-predisposing syndrome. Last evaluated: 2022-04-08. Review status: criteria provided, single submitter. Criteria: Ambry Variant Classification Scheme 2023. Collection method: clinical testing. Allele origin: germline.
Comment: The p.S839C variant (also known as c.2516C>G), located in coding exon 15 of the DICER1 gene, results from a C to G substitution at nucleotide position 2516. The serine at codon 839 is replaced by cysteine, an amino acid with dissimilar properties. This amino acid position is not well conserved in available vertebrate species. In addition, the in silico prediction for this alteration is inconclusive. Since supporting evidence is limited at this time, the clinical significance of this alteration remains unclear.

Literature cited by the submitters: PubMed 21205968 (cited by Labcorp Genetics (formerly Invitae), Labcorp).